The following is an entry in ClinVar:

NM_003079.5(SMARCE1):c.989_990delinsGC (p.Glu330Gly)

Gene: SMARCE1 (SWI/SNF related BAF chromatin remodeling complex subunit E1; minus strand). Cytogenetic location: 17q21.2.
Variant type: Indel.
Coding change: c.989_990delinsGC on transcript NM_003079.5 (MANE Select); coding-DNA positions 989 to 990, AG replaced by GC.
Protein change: p.Glu330Gly; replaces glutamic acid 330 with glycine.
Molecular consequence: missense variant.
Genome position (GRCh38, 1-based): chr17:40,630,751-40,630,752, CT replaced by GC on the plus strand (AG replaced by GC on the coding strand, the reverse complement: SMARCE1 is on the minus strand). VCF-style: chr17-40630751-CT-GC. GRCh37 (hg19) VCF-style: chr17-38787003-CT-GC.
Other names: short protein forms E330G.
Identifiers: ClinVar variation 2763030 (VCV002763030.3), dbSNP rs2508595849, ClinGen allele CA2697559844.

ClinVar aggregate classification (germline): Uncertain significance (1 of 4 stars; one submission).

Conditions:
Familial meningioma. Also called: Meningioma, familial, susceptibility to. Identifiers: Orphanet 263662, MedGen C3551915, MONDO:0011789, OMIM 607174.

Submission:

Labcorp Genetics (formerly Invitae), Labcorp
Classification: Uncertain significance for Familial meningioma. Last evaluated: 2023-09-23. Review status: criteria provided, single submitter. Criteria: Invitae Variant Classification Sherloc (09022015). Collection method: clinical testing. Allele origin: germline.
Comment: This sequence change replaces glutamic acid, which is acidic and polar, with glycine, which is neutral and non-polar, at codon 330 of the SMARCE1 protein (p.Glu330Gly). Information on the frequency of this variant in the gnomAD database is not available, as this variant may be reported differently in the database. This variant has not been reported in the literature in individuals affected with SMARCE1-related conditions. An algorithm developed to predict the effect of missense changes on protein structure and function (PolyPhen-2) suggests that this variant is likely to be tolerated. In summary, the available evidence is currently insufficient to determine the role of this variant in disease. Therefore, it has been classified as a Variant of Uncertain Significance.